The following is an entry in ClinVar:

ClinVar aggregate classification (germline): Conflicting classifications of pathogenicity. Review status: criteria provided, conflicting classifications (1 of 4 stars). 2 submissions from 2 submitters: Likely pathogenic (1); Uncertain significance (1). Last evaluated 2025-06-08.

Conditions:
Pyogenic arthritis-pyoderma gangrenosum-acne syndrome (PAPA). Also called: FAMILIAL RECURRENT ARTHRITIS; PAPA SYNDROME. Identifiers: Orphanet 69126, MedGen C1858361, MONDO:0011462, OMIM 604416.

Submissions (2):

Labcorp Genetics (formerly Invitae), Labcorp
Classification: Uncertain significance for Pyogenic arthritis-pyoderma gangrenosum-acne syndrome. Last evaluated: 2025-06-08. Review status: criteria provided, single submitter. Criteria: Invitae Variant Classification Sherloc (09022015). Collection method: clinical testing. Allele origin: germline.
Comment: This sequence change creates a premature translational stop signal (p.Gln174Glufs*30) in the PSTPIP1 gene. It is expected to result in an absent or disrupted protein product. However, the current clinical and genetic evidence is not sufficient to establish whether loss-of-function variants in PSTPIP1 cause disease. This variant is present in population databases (rs745343304, gnomAD 0.004%). This variant has not been reported in the literature in individuals affected with PSTPIP1-related conditions. Algorithms developed to predict the effect of sequence changes on RNA splicing suggest that this variant may disrupt the consensus splice site. In summary, the available evidence is currently insufficient to determine the role of this variant in disease. Therefore, it has been classified as a Variant of Uncertain Significance.

GeneDx
Classification: Likely pathogenic. Last evaluated: 2014-03-27. Review status: criteria provided, single submitter. Criteria: GeneDx Variant Classification (06012015). Collection method: clinical testing. Allele origin: germline. Affected: yes.
Comment: The c.517_518delAG variant in the PSTPIP1 gene causes a frameshift starting with codon Glutamine 174, changes this amino acid to a Glutamic acid residue, and creates a premature Stop codon at position 30 of the new reading frame, denoted p.Gln174GlufsX30. This variant is predicted to cause loss of normal protein function either through protein truncation or nonsense-mediated mRNA decay. However, to date, only missense mutations have been reported in the PSTPIP1 gene. Therefore, although this variant is a strong candidate for a pathogenic mutation, the possibility that it is a benign variant cannot be excluded.

NM_003978.3(PSTPIP1):c.517_518delAG

Gene: PSTPIP1 (proline-serine-threonine phosphatase interacting protein 1; plus strand). Cytogenetic location: 15q24.3.
Variant type: Microsatellite.
Coding change: c.517_518delAG on transcript NM_003978.3; coding-DNA positions 517 to 518, 2 bases deleted (AG).
Genome position (GRCh38, 1-based): chr15:77,029,529-77,029,530, AG deleted; deleting any 2 consecutive bases within chr15:77,029,527-77,029,530 gives the same sequence; the c. name uses the placement nearest the transcript's 3' end. VCF-style (leftmost placement, unchanged base first): chr15-77029526-CAG-C. GRCh37 (hg19) VCF-style: chr15-77321867-CAG-C.
Identifiers: ClinVar variation 242302 (VCV000242302.7), dbSNP rs878855322, ClinGen allele CA7675857.